The following is an entry in ClinVar:

NM_000349.3(STAR):c.144G>A (p.Trp48Ter)

Gene: STAR (steroidogenic acute regulatory protein; minus strand). Cytogenetic location: 8p11.23.
Variant type: single nucleotide variant.
Coding change: c.144G>A on transcript NM_000349.3 (MANE Select); coding-DNA position 144, G replaced by A.
Protein change: p.Trp48Ter; replaces tryptophan 48 with a stop codon.
Molecular consequence: nonsense.
Genome position (GRCh38, 1-based): chr8:38,148,675, C>T on the plus strand (G>A on the coding strand, the complement: STAR is on the minus strand). VCF-style: chr8-38148675-C-T. GRCh37 (hg19) VCF-style: chr8-38006193-C-T.
Other names: c.144G>A (NM_000349.2); short protein forms W48*.
Identifiers: ClinVar variation 1074325 (VCV001074325.8), dbSNP rs749415045, ClinGen allele CA175097615.
Genomic context (GRCh38, chr8:38,148,675, plus strand): 5'-AGGAGCCCAGAAGCCTCAGCACTTACCGAGTAGAGAGCTCCGCCGCCGAACCTGGTTAAT[C>T]CACGTGCTAGGGGTGGGGCCCCCCAGGGCCCTCCGGTTCAGCTCCTGGCTGATGGCCATC-3'

ClinVar aggregate classification (germline): Pathogenic/Likely pathogenic. Review status: criteria provided, multiple submitters, no conflicts (2 of 4 stars). 4 submissions from 4 submitters: Pathogenic (2); Likely pathogenic (2). Last evaluated 2025-10-07.

Conditions:
STAR-related disorder. Also called: STAR-related condition.
Congenital lipoid adrenal hyperplasia due to STAR deficency. Also called: Cholesterol monooxygenase (side-chain cleaving) deficiency; Lipoid adrenal hyperplasia; Congenital Lipoid Adrenal Hyperplasia; ADRENAL HYPERPLASIA I. Identifiers: Orphanet 418, Orphanet 90790, MedGen C0342474, MONDO:0008725, OMIM 201710.

Allele frequency attached by ClinVar (database versions not stated): TOPMed below 0.00001; gnomAD exomes 0.00001.
gnomAD v4.1: 11 of 1,614,176 alleles (0.00068%); highest among the groups gnomAD compares: Non-Finnish European, 0.00093%; no homozygotes.

Submissions (4):

Natera, Inc.
Classification: Likely pathogenic for Congenital lipoid adrenal hyperplasia. Last evaluated: 2025-10-07. Review status: criteria provided, single submitter. Criteria: Natera Variant Classification Schema (03/2026). Collection method: clinical testing. Allele origin: germline.
Comment: The c.144G>A variant in STAR is a nonsense variant predicted to introduce a stop codon at amino acid 48. This variant is expected to result in nonsense mediated decay, truncation, or a dysfunctional protein product. This variant is rare in the general population with a frequency below the threshold expected for the associated phenotype(s). Given the available evidence, this variant is classified as Likely Pathogenic.

Fulgent Genetics
Classification: Likely pathogenic for Congenital lipoid adrenal hyperplasia due to STAR deficency. Last evaluated: 2024-05-31. Review status: criteria provided, single submitter. Criteria: ACMG Guidelines, 2015. Collection method: clinical testing. Allele origin: germline.

Labcorp Genetics (formerly Invitae), Labcorp
Classification: Pathogenic. Last evaluated: 2024-01-29. Review status: criteria provided, single submitter. Criteria: Invitae Variant Classification Sherloc (09022015). Collection method: clinical testing. Allele origin: germline.
Comment: This sequence change creates a premature translational stop signal (p.Trp48*) in the STAR gene. It is expected to result in an absent or disrupted protein product. Loss-of-function variants in STAR are known to be pathogenic (PMID: 8948562). This variant is not present in population databases (gnomAD no frequency). This variant has not been reported in the literature in individuals affected with STAR-related conditions. ClinVar contains an entry for this variant (Variation ID: 1074325). For these reasons, this variant has been classified as Pathogenic.

Blueprint Genetics
Classification: Pathogenic for STAR-related disorders. Last evaluated: 2020-07-07. Review status: criteria provided, single submitter. Criteria: ACMG Guidelines, 2015. Collection method: clinical testing. Allele origin: germline. Affected: yes. Observed: 2 variant alleles.

Literature cited by the submitters: PubMed 8948562 (cited by Labcorp Genetics (formerly Invitae), Labcorp).